The following is an entry in ClinVar:

ClinVar aggregate classification (germline): Uncertain significance (1 of 4 stars; one submission).

Conditions:
EGFR-related lung cancer (EGFR). Identifiers: MedGen CN130014.

Allele frequency attached by ClinVar (database versions not stated): gnomAD 0.00001.
gnomAD v4.1: 1 of 1,614,122 alleles (0.000062%); no homozygotes.

Submission:

Labcorp Genetics (formerly Invitae), Labcorp
Classification: Uncertain significance for EGFR-related lung cancer. Last evaluated: 2023-12-18. Review status: criteria provided, single submitter. Criteria: Invitae Variant Classification Sherloc (09022015). Collection method: clinical testing. Allele origin: germline.
Comment: This sequence change falls in intron 16 of the EGFR gene. It does not directly change the encoded amino acid sequence of the EGFR protein. It affects a nucleotide within the consensus splice site. This variant is not present in population databases (gnomAD no frequency). This variant has not been reported in the literature in individuals affected with EGFR-related conditions. Variants that disrupt the consensus splice site are a relatively common cause of aberrant splicing (PMID: 17576681, 9536098). Algorithms developed to predict the effect of sequence changes on RNA splicing suggest that this variant may disrupt the consensus splice site. In summary, the available evidence is currently insufficient to determine the role of this variant in disease. Therefore, it has been classified as a Variant of Uncertain Significance.

Literature cited by the submitters: PubMed 17576681; PubMed 9536098.

NM_005228.5(EGFR):c.1919+4A>G

Gene: EGFR (epidermal growth factor receptor; plus strand). Cytogenetic location: 7p11.2.
Variant type: single nucleotide variant.
Coding change: c.1919+4A>G on transcript NM_005228.5 (MANE Select); 4 bases into the intron after coding-DNA position 1919, A replaced by G.
Molecular consequence: intron variant.
Genome position (GRCh38, 1-based): chr7:55,171,217, A>G. VCF-style: chr7-55171217-A-G. GRCh37 (hg19) VCF-style: chr7-55238910-A-G.
Other names: c.1784+4A>G (NM_001346899.2, NM_001346897.2); c.1118+4A>G (NM_001346941.2); c.1919+4A>G (NM_001346898.2); c.1760+4A>G (NM_001346900.2).
Identifiers: ClinVar variation 2769298 (VCV002769298.3), dbSNP rs1786334890, ClinGen allele CA1101516868.